The following is an entry in ClinVar:

ClinVar aggregate classification (germline): Uncertain significance (1 of 4 stars; one submission).

Conditions:
Immunodeficiency. Identifiers: MedGen C0021051, MONDO:0021094, HP:0002721.

Submission:

Labcorp Genetics (formerly Invitae), Labcorp
Classification: Uncertain significance for Immunodeficiency. Last evaluated: 2022-02-03. Review status: criteria provided, single submitter. Criteria: Invitae Variant Classification Sherloc (09022015). Collection method: clinical testing. Allele origin: germline.
Comment: Algorithms developed to predict the effect of missense changes on protein structure and function are either unavailable or do not agree on the potential impact of this missense change (SIFT: "Deleterious"; PolyPhen-2: "Probably Damaging"; Align-GVGD: "Class C15"). In summary, the available evidence is currently insufficient to determine the role of this variant in disease. Therefore, it has been classified as a Variant of Uncertain Significance. This variant has not been reported in the literature in individuals affected with NFAT5-related conditions. This variant is not present in population databases (gnomAD no frequency). This sequence change replaces serine, which is neutral and polar, with tyrosine, which is neutral and polar, at codon 92 of the NFAT5 protein (p.Ser92Tyr).

NM_138713.4(NFAT5):c.557C>A (p.Ser186Tyr)

Gene: NFAT5 (nuclear factor of activated T cells 5; plus strand). Cytogenetic location: 16q22.1.
Variant type: single nucleotide variant.
Coding change: c.557C>A on transcript NM_138713.4 (MANE Select); coding-DNA position 557, C replaced by A.
Protein change: p.Ser186Tyr; replaces serine 186 with tyrosine.
Molecular consequence: missense variant. On other transcripts: intron variant (1).
Genome position (GRCh38, 1-based): chr16:69,647,331, C>A. VCF-style: chr16-69647331-C-A. GRCh37 (hg19) VCF-style: chr16-69681234-C-A.
Other names: c.557C>A, p.Ser186Tyr (NM_001113178.3); c.503C>A, p.Ser168Tyr (NM_006599.4); c.275C>A, p.Ser92Tyr (NM_138714.4, NM_173214.3, NM_173215.3); c.140+164C>A (NM_001367709.1); short protein forms S186Y, S92Y, S168Y.
Identifiers: ClinVar variation 2091336 (VCV002091336.4), dbSNP rs775227883, ClinGen allele CA283343024.